The following is an entry in ClinVar:

NM_003611.3(OFD1):c.607T>G (p.Tyr203Asp)

Gene: OFD1 (OFD1 centriole and centriolar satellite protein; plus strand). Cytogenetic location: Xp22.2.
Variant type: single nucleotide variant.
Coding change: c.607T>G on transcript NM_003611.3 (MANE Select); coding-DNA position 607, T replaced by G.
Protein change: p.Tyr203Asp; replaces tyrosine 203 with aspartic acid.
Molecular consequence: missense variant.
Genome position (GRCh38, 1-based): chrX:13,746,408, T>G. VCF-style: chrX-13746408-T-G. GRCh37 (hg19) VCF-style: chrX-13764527-T-G.
Other names: c.607T>G, p.Tyr203Asp (NM_001330209.2); c.187T>G, p.Tyr63Asp (NM_001330210.2); short protein forms Y203D, Y63D.
Identifiers: ClinVar variation 3350192 (VCV003350192.1).

ClinVar aggregate classification (germline): Uncertain significance (0 of 4 stars; one submission).

Conditions:
OFD1-related disorder. Also called: OFD1-related condition.

Submission:

PreventionGenetics, part of Exact Sciences
Classification: Uncertain significance for OFD1-related condition. Last evaluated: 2024-03-27. Review status: no assertion criteria provided. Collection method: clinical testing. Allele origin: germline.
Comment: The OFD1 c.607T>G variant is predicted to result in the amino acid substitution p.Tyr203Asp. To our knowledge, this variant has not been reported in the literature or in a large population database, indicating this variant is rare. Although we suspect that this variant may be pathogenic, at this time, the clinical significance of this variant is uncertain due to the absence of conclusive functional and genetic evidence.